The following is an entry in ClinVar:

NM_000038.6(APC):c.5594T>C (p.Leu1865Pro)

Gene: APC (APC regulator of Wnt signaling pathway; plus strand). Cytogenetic location: 5q22.2.
Variant type: single nucleotide variant.
Coding change: c.5594T>C on transcript NM_000038.6 (MANE Select); coding-DNA position 5594, T replaced by C.
Protein change: p.Leu1865Pro; replaces leucine 1865 with proline.
Molecular consequence: missense variant.
Genome position (GRCh38, 1-based): chr5:112,841,188, T>C. VCF-style: chr5-112841188-T-C. GRCh37 (hg19) VCF-style: chr5-112176885-T-C.
Other names: c.5594T>C, p.Leu1865Pro (NM_001354895.2, NM_001127510.3); c.5648T>C, p.Leu1883Pro (NM_001354896.2); c.5624T>C, p.Leu1875Pro (NM_001354897.2); c.5519T>C, p.Leu1840Pro (NM_001354898.2); c.5510T>C, p.Leu1837Pro (NM_001354899.2); c.5471T>C, p.Leu1824Pro (NM_001354900.2); c.5417T>C, p.Leu1806Pro (NM_001354901.2); c.5321T>C, p.Leu1774Pro (NM_001354902.2); and 5 more; short protein forms L1837P, L1847P, L1883P, L1764P, L1806P, L1840P, L1774P, L1824P.
Identifiers: ClinVar variation 852928 (VCV000852928.13), dbSNP rs1765987394, ClinGen allele CA16033573.

ClinVar aggregate classification (germline): Uncertain significance. Review status: criteria provided, multiple submitters, no conflicts (2 of 4 stars). 2 submissions from 2 submitters: Uncertain significance (2). Last evaluated 2025-10-05.

Conditions:
Hereditary cancer-predisposing syndrome. Also called: Neoplastic Syndromes, Hereditary; Hereditary Cancer Syndrome; Tumor predisposition; Hereditary neoplastic syndrome. Identifiers: Orphanet 140162, MedGen C0027672, MeSH D009386, MONDO:0015356.
Familial adenomatous polyposis 1 (FAP1). Also called: POLYPOSIS, ADENOMATOUS INTESTINAL; FAMILIAL ADENOMATOUS POLYPOSIS 1, ATTENUATED. Identifiers: MedGen C2713442, MONDO:0021056, OMIM 175100. Disease mechanism: loss of function.

Submissions (2):

Labcorp Genetics (formerly Invitae), Labcorp
Classification: Uncertain significance for Familial adenomatous polyposis 1. Last evaluated: 2025-10-05. Review status: criteria provided, single submitter. Criteria: Invitae Variant Classification Sherloc (09022015). Collection method: clinical testing. Allele origin: germline.
Comment: This sequence change replaces leucine, which is neutral and non-polar, with proline, which is neutral and non-polar, at codon 1865 of the APC protein (p.Leu1865Pro). This variant is not present in population databases (gnomAD no frequency). This variant has not been reported in the literature in individuals affected with APC-related conditions. ClinVar contains an entry for this variant (Variation ID: 852928). Invitae Evidence Modeling of protein sequence and biophysical properties (such as structural, functional, and spatial information, amino acid conservation, physicochemical variation, residue mobility, and thermodynamic stability) indicates that this missense variant is not expected to disrupt APC protein function with a negative predictive value of 95%. In summary, the available evidence is currently insufficient to determine the role of this variant in disease. Therefore, it has been classified as a Variant of Uncertain Significance.

Ambry Genetics
Classification: Uncertain significance for Hereditary cancer-predisposing syndrome. Last evaluated: 2020-08-28. Review status: criteria provided, single submitter. Criteria: Ambry Variant Classification Scheme 2023. Collection method: clinical testing. Allele origin: germline.
Comment: The p.L1865P variant (also known as c.5594T>C), located in coding exon 15 of the APC gene, results from a T to C substitution at nucleotide position 5594. The leucine at codon 1865 is replaced by proline, an amino acid with similar properties. This amino acid position is highly conserved in available vertebrate species. In addition, in silico predictors for this gene do not accurately predict pathogenicity. Since supporting evidence is limited at this time, the clinical significance of this alteration remains unclear.